The following is an entry in ClinVar:

NM_032888.4(COL27A1):c.2848C>A (p.Pro950Thr)

Gene: COL27A1 (collagen type XXVII alpha 1 chain; plus strand). Cytogenetic location: 9q32.
Variant type: single nucleotide variant.
Coding change: c.2848C>A on transcript NM_032888.4 (MANE Select); coding-DNA position 2848, C replaced by A.
Protein change: p.Pro950Thr; replaces proline 950 with threonine.
Molecular consequence: missense variant.
Genome position (GRCh38, 1-based): chr9:114,242,199, C>A. VCF-style: chr9-114242199-C-A. GRCh37 (hg19) VCF-style: chr9-117004479-C-A.
Other names: short protein forms P950T.
Identifiers: ClinVar variation 2167936 (VCV002167936.1), dbSNP rs749853260, ClinGen allele CA5202108.
Genomic context (GRCh38, chr9:114,242,199, plus strand): 5'-CTGGATTAACTTTCTCCTTTTTTCCTCTCTCGTGTCTCCCAATTCTAGGGAGATGAGGGA[C>A]CCATGGGGCCGCCAGGGGCCCCTGGCTTGGAGGTGAGTGTCACTGGCCTGGGGTAGGTGG-3'
Protein context (NP_116277.2, residues 940-960): GQLGPEGDEG[Pro950Thr]MGPPGAPGLE

ClinVar aggregate classification (germline): Uncertain significance (1 of 4 stars; one submission).

Allele frequency attached by ClinVar (database versions not stated): gnomAD 0.00002; gnomAD exomes 0.00003; ExAC 0.00004; TOPMed 0.00004.
gnomAD v4.1: 41 of 1,607,944 alleles (0.0025%); highest among the groups gnomAD compares: Non-Finnish European, 0.0033%; no homozygotes.

Submission:

Labcorp Genetics (formerly Invitae), Labcorp
Classification: Uncertain significance. Last evaluated: 2021-09-17. Review status: criteria provided, single submitter. Criteria: Invitae Variant Classification Sherloc (09022015). Collection method: clinical testing. Allele origin: germline.
Comment: This sequence change replaces proline with threonine at codon 950 of the COL27A1 protein (p.Pro950Thr). The proline residue is highly conserved and there is a small physicochemical difference between proline and threonine. This variant is present in population databases (rs749853260, ExAC 0.008%). This variant has not been reported in the literature in individuals with COL27A1-related conditions. In summary, the available evidence is currently insufficient to determine the role of this variant in disease. Therefore, it has been classified as a Variant of Uncertain Significance.